The following is an entry in ClinVar:

NM_004333.6(BRAF):c.84C>G (p.Gly28=)

Gene: BRAF (B-Raf proto-oncogene, serine/threonine kinase; minus strand). Cytogenetic location: 7q34.
Variant type: single nucleotide variant.
Coding change: c.84C>G on transcript NM_004333.6 (MANE Select); coding-DNA position 84, C replaced by G.
Protein change: p.Gly28=; no amino-acid change (glycine 28 retained).
Molecular consequence: synonymous variant.
Genome position (GRCh38, 1-based): chr7:140,924,620, G>C on the plus strand (C>G on the coding strand, the complement: BRAF is on the minus strand). VCF-style: chr7-140924620-G-C. GRCh37 (hg19) VCF-style: chr7-140624420-G-C.
Other names: c.84C>G, p.Gly28= (NM_001354609.2, NM_001374244.1, NM_001374258.1 and 7 more transcripts).
Identifiers: ClinVar variation 1763628 (VCV001763628.8), dbSNP rs992354585, ClinGen allele CA168218541.

ClinVar aggregate classification (germline): Likely benign. Review status: criteria provided, multiple submitters, no conflicts (2 of 4 stars). 3 submissions from 3 submitters: Likely benign (2). 1 of the submissions does not count toward it. Last evaluated 2025-10-17.

Conditions:
RASopathy. Also called: Noonan spectrum disorder; rasopathies. Identifiers: Orphanet 536391, MedGen C5555857, MONDO:0021060.
BRAF-related disorder. Also called: BRAF-related condition.
Cardiovascular phenotype. Identifiers: MedGen CN230736.

Allele frequency attached by ClinVar (database versions not stated): gnomAD exomes below 0.00001; TOPMed below 0.00001.
gnomAD v4.1: 6 of 1,524,412 alleles (0.00039%); highest among the groups gnomAD compares: Admixed American, 0.012%; no homozygotes.

Submissions (3):

Labcorp Genetics (formerly Invitae), Labcorp
Classification: Likely benign for RASopathy. Last evaluated: 2025-10-17. Review status: criteria provided, single submitter. Criteria: Invitae Variant Classification Sherloc (09022015). Collection method: clinical testing. Allele origin: germline.

Ambry Genetics
Classification: Likely benign for Cardiovascular phenotype. Last evaluated: 2022-06-06. Review status: criteria provided, single submitter. Criteria: Ambry Variant Classification Scheme 2023. Collection method: clinical testing. Allele origin: germline.

PreventionGenetics, part of Exact Sciences
Classification: Likely benign for BRAF-related condition. Last evaluated: 2024-01-03. Review status: no assertion criteria provided. Collection method: clinical testing. Allele origin: germline. Not counted in ClinVar's aggregate classification.
Comment: This variant is classified as likely benign based on ACMG/AMP sequence variant interpretation guidelines (Richards et al. 2015 PMID: 25741868, with internal and published modifications).